The following is an entry in ClinVar:

ClinVar aggregate classification (germline): Uncertain significance. Review status: criteria provided, multiple submitters, no conflicts (2 of 4 stars). 2 submissions from 2 submitters: Uncertain significance (2). Last evaluated 2025-11-05.

Conditions:
Inborn genetic diseases. Identifiers: MedGen C0950123, MeSH D030342.

Allele frequency attached by ClinVar (database versions not stated): gnomAD exomes below 0.00001.
gnomAD v4.1: 1 of 1,613,962 alleles (0.000062%); highest among the groups gnomAD compares: Non-Finnish European, 0.000085%; no homozygotes.

Submissions (2):

Ambry Genetics
Classification: Uncertain significance for Inborn genetic diseases. Last evaluated: 2025-11-05. Review status: criteria provided, single submitter. Criteria: Ambry Variant Classification Scheme 2023. Collection method: clinical testing. Allele origin: germline.

GeneDx
Classification: Uncertain significance. Last evaluated: 2022-11-08. Review status: criteria provided, single submitter. Criteria: GeneDx Variant Classification Process June 2021. Collection method: clinical testing. Allele origin: germline. Affected: yes.
Comment: Not observed at significant frequency in large population cohorts (gnomAD); In silico analysis supports that this missense variant has a deleterious effect on protein structure/function; Has not been previously published as pathogenic or benign to our knowledge

NM_001845.6(COL4A1):c.221C>T (p.Pro74Leu)

Gene: COL4A1 (collagen type IV alpha 1 chain; minus strand). Cytogenetic location: 13q34.
Variant type: single nucleotide variant.
Coding change: c.221C>T on transcript NM_001845.6 (MANE Select); coding-DNA position 221, C replaced by T.
Protein change: p.Pro74Leu; replaces proline 74 with leucine.
Molecular consequence: missense variant.
Genome position (GRCh38, 1-based): chr13:110,213,939, G>A on the plus strand (C>T on the coding strand, the complement: COL4A1 is on the minus strand). VCF-style: chr13-110213939-G-A. GRCh37 (hg19) VCF-style: chr13-110866286-G-A.
Other names: c.221C>T, p.Pro74Leu (NM_001303110.2); short protein forms P74L.
Identifiers: ClinVar variation 2501483 (VCV002501483.2), dbSNP rs2501607803, ClinGen allele CA388727036.